The following is an entry in ClinVar:

ClinVar aggregate classification (germline): Uncertain significance (1 of 4 stars; one submission).

Conditions:
Hepatic veno-occlusive disease-immunodeficiency syndrome. Also called: Hepatic Veno-Occlusive Disease with Immunodeficiency. Identifiers: Orphanet 79124, MedGen C1856128, MONDO:0009338, OMIM 235550. Disease mechanism: loss of function.

Allele frequency attached by ClinVar (database versions not stated): gnomAD exomes 0.00001; gnomAD 0.00003; TOPMed 0.00006; ESP Exome Variant Server 0.00008.
gnomAD v4.1: 19 of 1,613,814 alleles (0.0012%); highest among the groups gnomAD compares: African/African-American, 0.004%; no homozygotes.

Submission:

Labcorp Genetics (formerly Invitae), Labcorp
Classification: Uncertain significance for Hepatic veno-occlusive disease-immunodeficiency syndrome. Last evaluated: 2025-03-19. Review status: criteria provided, single submitter. Criteria: Invitae Variant Classification Sherloc (09022015). Collection method: clinical testing. Allele origin: germline.
Comment: This sequence change replaces glycine, which is neutral and non-polar, with serine, which is neutral and polar, at codon 676 of the SP110 protein (p.Gly676Ser). This variant is present in population databases (rs141900135, gnomAD 0.008%). This variant has not been reported in the literature in individuals affected with SP110-related conditions. ClinVar contains an entry for this variant (Variation ID: 960110). An algorithm developed to predict the effect of missense changes on protein structure and function outputs the following: PolyPhen-2: "Benign". The serine amino acid residue is found in multiple mammalian species, which suggests that this missense change does not adversely affect protein function. In summary, the available evidence is currently insufficient to determine the role of this variant in disease. Therefore, it has been classified as a Variant of Uncertain Significance.

NM_080424.4(SP110):c.2098G>A (p.Gly700Ser)

Gene: SP110 (SP110 nuclear body protein; minus strand). Cytogenetic location: 2q37.1.
Variant type: single nucleotide variant.
Coding change: c.2098G>A on transcript NM_080424.4 (MANE Select); coding-DNA position 2098, G replaced by A.
Protein change: p.Gly700Ser; replaces glycine 700 with serine.
Molecular consequence: missense variant.
Genome position (GRCh38, 1-based): chr2:230,169,168, C>T on the plus strand (G>A on the coding strand, the complement: SP110 is on the minus strand). VCF-style: chr2-230169168-C-T. GRCh37 (hg19) VCF-style: chr2-231033884-C-T.
Other names: c.2194G>A, p.Gly732Ser (NM_001378442.1); c.2176G>A, p.Gly726Ser (NM_001378443.1); c.2116G>A, p.Gly706Ser (NM_001378444.1); c.2044G>A, p.Gly682Ser (NM_001378445.1); c.1903G>A, p.Gly635Ser (NM_001378446.1); c.2026G>A, p.Gly676Ser (NM_004509.5); short protein forms G682S, G726S, G676S, G706S, G732S, G700S, G635S.
Identifiers: ClinVar variation 960110 (VCV000960110.9), dbSNP rs141900135, ClinGen allele CA66728317.
Genomic context (GRCh38, chr2:230,169,168, plus strand): 5'-TCTTTACAGAACAGGGTCAAGGAAGAGTCCAGAAACCGCCGTCATTGGCTTCATGAAAAC[C>T]GAGCACGTCTTTGAGATCTTTTTCAAATTCTGCCTCTAAGTCAAGTCCTACCTGGCCAAA-3'
Protein context (NP_536349.3, residues 690-710): EFEKDLKDVL[Gly700Ser]FHEANDGGFW